The following is an entry in ClinVar:

ClinVar aggregate classification (germline): Uncertain significance. Review status: criteria provided, single submitter (1 of 4 stars). 2 submissions from 2 submitters: Uncertain significance (1). 1 of the submissions does not count toward it. Last evaluated 2022-07-19.

Conditions:
Primary ciliary dyskinesia. Also called: Ciliary dyskinesia. Identifiers: Orphanet 244, MedGen C0008780, MONDO:0016575, HP:0012265.

Submissions (2):

Labcorp Genetics (formerly Invitae), Labcorp
Classification: Uncertain significance for Primary ciliary dyskinesia. Last evaluated: 2022-07-19. Review status: criteria provided, single submitter. Criteria: Invitae Variant Classification Sherloc (09022015). Collection method: clinical testing. Allele origin: germline.
Comment: In summary, the available evidence is currently insufficient to determine the role of this variant in disease. Therefore, it has been classified as a Variant of Uncertain Significance. Advanced modeling of protein sequence and biophysical properties (such as structural, functional, and spatial information, amino acid conservation, physicochemical variation, residue mobility, and thermodynamic stability) performed at Invitae indicates that this missense variant is not expected to disrupt DNAH5 protein function. This variant has not been reported in the literature in individuals affected with DNAH5-related conditions. This variant is not present in population databases (gnomAD no frequency). This sequence change replaces asparagine, which is neutral and polar, with aspartic acid, which is acidic and polar, at codon 4515 of the DNAH5 protein (p.Asn4515Asp).

Natera, Inc.
Classification: Uncertain significance for Primary ciliary dyskinesia. Last evaluated: 2025-03-27. Review status: no assertion criteria provided. Collection method: clinical testing. Allele origin: germline. Not counted in ClinVar's aggregate classification.

NM_001369.3(DNAH5):c.13543A>G (p.Asn4515Asp)

Gene: DNAH5 (dynein axonemal heavy chain 5; minus strand). Cytogenetic location: 5p15.2.
Variant type: single nucleotide variant.
Coding change: c.13543A>G on transcript NM_001369.3 (MANE Select); coding-DNA position 13543, A replaced by G.
Protein change: p.Asn4515Asp; replaces asparagine 4515 with aspartic acid.
Molecular consequence: missense variant.
Genome position (GRCh38, 1-based): chr5:13,700,820, T>C on the plus strand (A>G on the coding strand, the complement: DNAH5 is on the minus strand). VCF-style: chr5-13700820-T-C. GRCh37 (hg19) VCF-style: chr5-13700929-T-C.
Other names: c.13543A>G (NM_001369.2); short protein forms N4515D.
Identifiers: ClinVar variation 1962752 (VCV001962752.6), dbSNP rs2126405290, ClinGen allele CA359192016.